The following is an entry in ClinVar:

NM_032119.4(ADGRV1):c.672+56T>C

Gene: ADGRV1 (adhesion G protein-coupled receptor V1; plus strand). Cytogenetic location: 5q14.3.
Variant type: single nucleotide variant.
Coding change: c.672+56T>C on transcript NM_032119.4 (MANE Select); 56 bases into the intron after coding-DNA position 672, T replaced by C.
Molecular consequence: intron variant.
Genome position (GRCh38, 1-based): chr5:90,625,299, T>C. VCF-style: chr5-90625299-T-C. GRCh37 (hg19) VCF-style: chr5-89921116-T-C.
Identifiers: ClinVar variation 675838 (VCV000675838.1), dbSNP rs41311331, ClinGen allele CA121823819.

ClinVar aggregate classification (germline): Benign (1 of 4 stars; one submission).

Allele frequency attached by ClinVar (database versions not stated): gnomAD exomes 0.00816; gnomAD 0.07902 and 0.08486; 1000 Genomes Project 0.08946; TOPMed 0.09214; 1000 Genomes Project 30x 0.09416.
gnomAD v4.1: 20,287 of 1,116,004 alleles (1.8%); highest among the groups gnomAD compares: African/African-American, 27%; 2,515 homozygotes.

Submission:

GeneDx
Classification: Benign. Last evaluated: 2018-06-16. Review status: criteria provided, single submitter. Criteria: GeneDx Variant Classification (06012015). Collection method: clinical testing. Allele origin: germline. Affected: yes.
Comment: This variant is considered likely benign or benign based on one or more of the following criteria: it is a conservative change, it occurs at a poorly conserved position in the protein, it is predicted to be benign by multiple in silico algorithms, and/or has population frequency not consistent with disease.